The following is an entry in ClinVar:

ClinVar aggregate classification (germline): Likely pathogenic (1 of 4 stars; one submission).

Conditions:
Multiple sulfatase deficiency (MSD). Also called: Multiple Sulfatase Deficiency Disease; Sulfatidosis, Juvenile, Austin Type; Mucosulfatidosis. Identifiers: Orphanet 585, MedGen C0268263, MONDO:0010088, OMIM 272200.

Allele frequency attached by ClinVar (database versions not stated): gnomAD exomes below 0.00001.
gnomAD v4.1: 3 of 1,613,730 alleles (0.00019%); highest among the groups gnomAD compares: Non-Finnish European, 0.00025%; no homozygotes.

Submission:

Labcorp Genetics (formerly Invitae), Labcorp
Classification: Likely pathogenic for Multiple sulfatase deficiency. Last evaluated: 2020-08-15. Review status: criteria provided, single submitter. Criteria: Invitae Variant Classification Sherloc (09022015). Collection method: clinical testing. Allele origin: germline.
Comment: This variant has not been reported in the literature in individuals with SUMF1-related conditions. This variant is not present in population databases (ExAC no frequency). This sequence change affects an acceptor splice site in intron 5 of the SUMF1 gene. It is expected to disrupt RNA splicing and likely results in an absent or disrupted protein product. Algorithms developed to predict the effect of sequence changes on RNA splicing suggest that this variant may disrupt the consensus splice site, but this prediction has not been confirmed by published transcriptional studies. Donor and acceptor splice site variants typically lead to a loss of protein function (PMID: 16199547), and loss-of-function variants in SUMF1 are known to be pathogenic (PMID: 12757705, 12757706, 25885655). In summary, the currently available evidence indicates that the variant is pathogenic, but additional data are needed to prove that conclusively. Therefore, this variant has been classified as Likely Pathogenic.

Literature cited by the submitters: PubMed 16199547; PubMed 12757705; PubMed 12757706; PubMed 25885655.

NM_182760.4(SUMF1):c.726-1G>C

Gene: SUMF1 (sulfatase modifying factor 1; minus strand). Cytogenetic location: 3p26.1.
Variant type: single nucleotide variant.
Coding change: c.726-1G>C on transcript NM_182760.4 (MANE Select); the canonical splice acceptor site of the intron before coding-DNA position 726, G replaced by C.
Molecular consequence: splice acceptor variant.
Genome position (GRCh38, 1-based): chr3:4,417,243, C>G on the plus strand (G>C on the coding strand, the complement: SUMF1 is on the minus strand). VCF-style: chr3-4417243-C-G. GRCh37 (hg19) VCF-style: chr3-4458927-C-G.
Other names: c.651-1G>C (NM_001164674.2); c.726-1G>C (NM_001164675.2).
Identifiers: ClinVar variation 1067238 (VCV001067238.5), dbSNP rs1215549413, ClinGen allele CA351632220.
Genomic context (GRCh38, chr3:4,417,243, plus strand): 5'-TGCCAAATGTTGGCATAATGCTGGCCTTTGGGCTGCAGTTTGTTGCCCCAGGGGAAAAGT[C>G]TGTCAGAAGAGACACAGGCATCAGCCTGTCAAACAGGCACAGGTTTTGGATGAAAGTCAA-3'